The following is an entry in ClinVar:

NM_003872.3(NRP2):c.1743G>A (p.Ala581=)

Gene: NRP2 (neuropilin 2; plus strand). Cytogenetic location: 2q33.3.
Variant type: single nucleotide variant.
Coding change: c.1743G>A on transcript NM_003872.3 (MANE Select); coding-DNA position 1743, G replaced by A.
Protein change: p.Ala581=; no amino-acid change (alanine 581 retained).
Molecular consequence: synonymous variant.
Genome position (GRCh38, 1-based): chr2:205,745,847, G>A. VCF-style: chr2-205745847-G-A. GRCh37 (hg19) VCF-style: chr2-206610571-G-A.
Other names: c.1743G>A, p.Ala581= (NM_018534.4, NM_201266.2, NM_201267.2 and 1 more transcripts).
Identifiers: ClinVar variation 3036665 (VCV003036665.2), dbSNP rs147946484, ClinGen allele CA2069181.

ClinVar aggregate classification (germline): Likely benign (0 of 4 stars; one submission).

Conditions:
NRP2-related disorder. Also called: NRP2-related condition.

Allele frequency attached by ClinVar (database versions not stated): ESP Exome Variant Server 0.00008; TOPMed 0.00011; gnomAD 0.00012; ExAC 0.00028; gnomAD exomes 0.00028; 1000 Genomes Project 30x 0.00047; 1000 Genomes Project 0.00060.
gnomAD v4.1: 420 of 1,614,212 alleles (0.026%); highest among the groups gnomAD compares: South Asian, 0.09%; no homozygotes.

Submission:

PreventionGenetics, part of Exact Sciences
Classification: Likely benign for NRP2-related condition. Last evaluated: 2021-12-02. Review status: no assertion criteria provided. Collection method: clinical testing. Allele origin: germline.
Comment: This variant is classified as likely benign based on ACMG/AMP sequence variant interpretation guidelines (Richards et al. 2015 PMID: 25741868, with internal and published modifications).